The following is an entry in ClinVar:

ClinVar aggregate classification (germline): Uncertain significance (1 of 4 stars; one submission).

Conditions:
Hereditary cancer-predisposing syndrome. Also called: Hereditary Cancer Syndrome; Neoplastic Syndromes, Hereditary; Hereditary neoplastic syndrome; Tumor predisposition. Identifiers: Orphanet 140162, MedGen C0027672, MeSH D009386, MONDO:0015356.

Submission:

Ambry Genetics
Classification: Uncertain significance for Hereditary cancer-predisposing syndrome. Last evaluated: 2016-04-04. Review status: criteria provided, single submitter. Criteria: Ambry Variant Classification Scheme 2023. Collection method: clinical testing. Allele origin: germline.
Comment: The p.I238N variant (also known as c.713T>A), located in coding exon 5 of the STK11 gene, results from a T to A substitution at nucleotide position 713. The isoleucine at codon 238 is replaced by asparagine, an amino acid with dissimilar properties. This variant was not reported in population based cohorts in the following databases: Database of Single Nucleotide Polymorphisms (dbSNP), NHLBI Exome Sequencing Project (ESP), and 1000 Genomes Project. In the ESP, this variant was not observed in 6135 samples (12270 alleles) with coverage of 6135 at this position. To date, this alteration has been detected with an allele frequency of approximately 0.001% (greater than 125000 alleles tested) in our clinical cohort. This amino acid position is highly conserved in available vertebrate species. In addition, this alteration is predicted to be deleterious by in silico analysis. Since supporting evidence is limited at this time, the clinical significance of this variant remains unclear.

NM_000455.5(STK11):c.713T>A (p.Ile238Asn)

Gene: STK11 (serine/threonine kinase 11; plus strand). Cytogenetic location: 19p13.3.
Variant type: single nucleotide variant.
Coding change: c.713T>A on transcript NM_000455.5 (MANE Select); coding-DNA position 713, T replaced by A.
Protein change: p.Ile238Asn; replaces isoleucine 238 with asparagine.
Molecular consequence: missense variant.
Genome position (GRCh38, 1-based): chr19:1,220,696, T>A. VCF-style: chr19-1220696-T-A. GRCh37 (hg19) VCF-style: chr19-1220695-T-A.
Other names: short protein forms I238N.
Identifiers: ClinVar variation 428754 (VCV000428754.5), dbSNP rs1131690919, ClinGen allele CA402949916.